The following is an entry in ClinVar:

NM_002691.4(POLD1):c.1605G>T (p.Met535Ile)

Gene: POLD1 (DNA polymerase delta 1, catalytic subunit; plus strand). Cytogenetic location: 19q13.33.
Variant type: single nucleotide variant.
Coding change: c.1605G>T on transcript NM_002691.4 (MANE Select); coding-DNA position 1605, G replaced by T.
Protein change: p.Met535Ile; replaces methionine 535 with isoleucine.
Molecular consequence: missense variant. On other transcripts: non-coding transcript variant (1).
Genome position (GRCh38, 1-based): chr19:50,407,093, G>T. VCF-style: chr19-50407093-G-T. GRCh37 (hg19) VCF-style: chr19-50910350-G-T.
Other names: c.1605G>T, p.Met535Ile (NM_001256849.1, NM_001308632.1); short protein forms M535I.
Identifiers: ClinVar variation 3642216 (VCV003642216.2).

ClinVar aggregate classification (germline): Uncertain significance (1 of 4 stars; one submission).

Conditions:
POLD1-related polyposis and colorectal cancer syndrome (CRCS10). Also called: Colorectal cancer 10; COLORECTAL CANCER, SUSCEPTIBILITY TO, ON CHROMOSOME 19q; Colorectal cancer, susceptibility to, 10. Identifiers: Orphanet 220460, MedGen C2675481, MONDO:0012953, OMIM 612591.

Submission:

Labcorp Genetics (formerly Invitae), Labcorp
Classification: Uncertain significance for POLD1-related polyposis and colorectal cancer syndrome. Last evaluated: 2024-02-20. Review status: criteria provided, single submitter. Criteria: Invitae Variant Classification Sherloc (09022015). Collection method: clinical testing. Allele origin: germline.
Comment: This sequence change replaces methionine, which is neutral and non-polar, with isoleucine, which is neutral and non-polar, at codon 535 of the POLD1 protein (p.Met535Ile). This variant is not present in population databases (gnomAD no frequency). This variant has not been reported in the literature in individuals affected with POLD1-related conditions. Advanced modeling of protein sequence and biophysical properties (such as structural, functional, and spatial information, amino acid conservation, physicochemical variation, residue mobility, and thermodynamic stability) performed at Invitae indicates that this missense variant is not expected to disrupt POLD1 protein function with a negative predictive value of 80%. In summary, the available evidence is currently insufficient to determine the role of this variant in disease. Therefore, it has been classified as a Variant of Uncertain Significance.